The following is an entry in ClinVar:

NM_152564.5(VPS13B):c.5885T>C (p.Val1962Ala)

Gene: VPS13B (vacuolar protein sorting 13 homolog B; plus strand). Cytogenetic location: 8q22.2.
Variant type: single nucleotide variant.
Coding change: c.5885T>C on transcript NM_152564.5 (MANE Select); coding-DNA position 5885, T replaced by C.
Protein change: p.Val1962Ala; replaces valine 1962 with alanine.
Molecular consequence: missense variant.
Genome position (GRCh38, 1-based): chr8:99,642,475, T>C. VCF-style: chr8-99642475-T-C. GRCh37 (hg19) VCF-style: chr8-100654703-T-C.
Other names: c.5960T>C (NM_017890.3); c.5960T>C, p.Val1987Ala (NM_017890.5); short protein forms V1962A, V1987A.
Identifiers: ClinVar variation 1003994 (VCV001003994.6), dbSNP rs149408318, ClinGen allele CA183013663.

ClinVar aggregate classification (germline): Uncertain significance. Review status: criteria provided, multiple submitters, no conflicts (2 of 4 stars). 2 submissions from 2 submitters: Uncertain significance (2). Last evaluated 2024-07-08.

Conditions:
Inborn genetic diseases. Identifiers: MedGen C0950123, MeSH D030342.
Cohen syndrome (COH1). Also called: PEPPER SYNDROME; Cutis verticis gyrata, retinitis pigmentosa, and sensorineural deafness. Identifiers: Orphanet 193, MedGen C0265223, MONDO:0008999, OMIM 216550.

Allele frequency attached by ClinVar (database versions not stated): TOPMed 0.00002; ESP Exome Variant Server 0.00015.
gnomAD v4.1: 2 of 1,613,424 alleles (0.00012%); highest among the groups gnomAD compares: African/African-American, 0.0013%; no homozygotes.

Submissions (2):

Labcorp Genetics (formerly Invitae), Labcorp
Classification: Uncertain significance for Cohen syndrome. Last evaluated: 2024-07-08. Review status: criteria provided, single submitter. Criteria: Invitae Variant Classification Sherloc (09022015). Collection method: clinical testing. Allele origin: germline.
Comment: This sequence change replaces valine, which is neutral and non-polar, with alanine, which is neutral and non-polar, at codon 1987 of the VPS13B protein (p.Val1987Ala). This variant is not present in population databases (gnomAD no frequency). This variant has not been reported in the literature in individuals affected with VPS13B-related conditions. ClinVar contains an entry for this variant (Variation ID: 1003994). Advanced modeling of protein sequence and biophysical properties (such as structural, functional, and spatial information, amino acid conservation, physicochemical variation, residue mobility, and thermodynamic stability) performed at Invitae indicates that this missense variant is not expected to disrupt VPS13B protein function with a negative predictive value of 80%. In summary, the available evidence is currently insufficient to determine the role of this variant in disease. Therefore, it has been classified as a Variant of Uncertain Significance.

Ambry Genetics
Classification: Uncertain significance for Inborn genetic diseases. Last evaluated: 2024-05-30. Review status: criteria provided, single submitter. Criteria: Ambry Variant Classification Scheme 2023. Collection method: clinical testing. Allele origin: germline.